The following is an entry in ClinVar:

NM_139058.3(ARX):c.977_982del (p.Arg326_Lys327del)

Gene: ARX (aristaless related homeobox; minus strand). Cytogenetic location: Xp21.3.
Variant type: Deletion.
Coding change: c.977_982del on transcript NM_139058.3 (MANE Select); coding-DNA positions 977 to 982, 6 bases deleted (GCAAAC; older notation c.977_982delGCAAAC).
Protein change: p.Arg326_Lys327del.
Molecular consequence: inframe deletion.
Genome position (GRCh38, 1-based): chrX:25,013,013-25,013,018, GTTTGC deleted on the plus strand (GCAAAC on the coding strand, the reverse complement: ARX is on the minus strand); deleting any 6 consecutive bases within chrX:25,013,013-25,013,022 gives the same sequence; the c. name uses the placement nearest the transcript's 3' end. VCF-style (leftmost placement, unchanged base first): chrX-25013012-TGTTTGC-T. GRCh37 (hg19) VCF-style: chrX-25031129-TGTTTGC-T.
Identifiers: ClinVar variation 4529575 (VCV004529575.1).

ClinVar aggregate classification (germline): Uncertain significance (1 of 4 stars; one submission).

Submission:

GeneDx
Classification: Uncertain significance. Last evaluated: 2025-05-13. Review status: criteria provided, single submitter. Criteria: GeneDx Variant Classification Process June 2021. Collection method: clinical testing. Allele origin: germline. Affected: yes.
Comment: Not observed at significant frequency in large population cohorts (gnomAD); In-frame deletion of 2 amino acid(s) in a non-repeat region; In silico analysis suggests that this variant does not alter protein structure/function; Has not been previously published as pathogenic or benign to our knowledge; This variant is associated with the following publications: (PMID: 20300201)